The following is an entry in ClinVar:

NM_033004.4(NLRP1):c.833T>A (p.Phe278Tyr)

Gene: NLRP1 (NLR family pyrin domain containing 1; minus strand). Cytogenetic location: 17p13.2.
Variant type: single nucleotide variant.
Coding change: c.833T>A on transcript NM_033004.4 (MANE Select); coding-DNA position 833, T replaced by A.
Protein change: p.Phe278Tyr; replaces phenylalanine 278 with tyrosine.
Molecular consequence: missense variant.
Genome position (GRCh38, 1-based): chr17:5,559,863, A>T on the plus strand (T>A on the coding strand, the complement: NLRP1 is on the minus strand). VCF-style: chr17-5559863-A-T. GRCh37 (hg19) VCF-style: chr17-5463183-A-T.
Other names: c.833T>A, p.Phe278Tyr (NM_001033053.3, NM_014922.5, NM_033006.4 and 1 more transcripts); short protein forms F278Y.
Identifiers: ClinVar variation 4715672 (VCV004715672.1).

ClinVar aggregate classification (germline): Uncertain significance (1 of 4 stars; one submission).

Submission:

Labcorp Genetics (formerly Invitae), Labcorp
Classification: Uncertain significance. Last evaluated: 2025-03-30. Review status: criteria provided, single submitter. Criteria: Invitae Variant Classification Sherloc (09022015). Collection method: clinical testing. Allele origin: germline.
Comment: This sequence change replaces phenylalanine, which is neutral and non-polar, with tyrosine, which is neutral and polar, at codon 278 of the NLRP1 protein (p.Phe278Tyr). This variant is not present in population databases (gnomAD no frequency). This variant has not been reported in the literature in individuals affected with NLRP1-related conditions. An algorithm developed to predict the effect of missense changes on protein structure and function outputs the following: PolyPhen-2: "Probably Damaging". The tyrosine amino acid residue is found in multiple mammalian species, which suggests that this missense change does not adversely affect protein function. In summary, the available evidence is currently insufficient to determine the role of this variant in disease. Therefore, it has been classified as a Variant of Uncertain Significance.